The following is an entry in ClinVar:

NM_015046.7(SETX):c.3412A>T (p.Ile1138Phe)

Gene: SETX (senataxin; minus strand). Cytogenetic location: 9q34.13.
Variant type: single nucleotide variant.
Coding change: c.3412A>T on transcript NM_015046.7 (MANE Select); coding-DNA position 3412, A replaced by T.
Protein change: p.Ile1138Phe; replaces isoleucine 1138 with phenylalanine.
Molecular consequence: missense variant.
Genome position (GRCh38, 1-based): chr9:132,328,186, T>A on the plus strand (A>T on the coding strand, the complement: SETX is on the minus strand). VCF-style: chr9-132328186-T-A. GRCh37 (hg19) VCF-style: chr9-135203573-T-A.
Other names: c.3412A>T, p.Ile1138Phe (NM_001351527.2, NM_001351528.2); short protein forms I1138F.
Identifiers: ClinVar variation 3753390 (VCV003753390.2).

ClinVar aggregate classification (germline): Uncertain significance (1 of 4 stars; one submission).

Conditions:
Amyotrophic lateral sclerosis type 4 (ALS4). Also called: AMYOTROPHIC LATERAL SCLEROSIS 4, JUVENILE; NEURONOPATHY, DISTAL HEREDITARY MOTOR, WITH PYRAMIDAL FEATURES. Identifiers: Orphanet 357043, MedGen C1865409, MONDO:0011223, OMIM 602433.
Spinocerebellar ataxia, autosomal recessive, with axonal neuropathy 2 (SCAN2). Also called: ATAXIA-OCULOMOTOR APRAXIA 2; Ataxia with Oculomotor Apraxia Type 2; Ataxia-ocular apraxia-2; Ataxia with Oculomotor Apraxia. Identifiers: Orphanet 64753, MedGen C1853761, MONDO:0018996, OMIM 606002.

Submission:

Labcorp Genetics (formerly Invitae), Labcorp
Classification: Uncertain significance for Amyotrophic lateral sclerosis type 4; Spinocerebellar ataxia, autosomal recessive, with axonal neuropathy 2. Last evaluated: 2024-07-31. Review status: criteria provided, single submitter. Criteria: Invitae Variant Classification Sherloc (09022015). Collection method: clinical testing. Allele origin: germline.
Comment: This sequence change replaces isoleucine, which is neutral and non-polar, with phenylalanine, which is neutral and non-polar, at codon 1138 of the SETX protein (p.Ile1138Phe). This variant is not present in population databases (gnomAD no frequency). This variant has not been reported in the literature in individuals affected with SETX-related conditions. Advanced modeling of protein sequence and biophysical properties (such as structural, functional, and spatial information, amino acid conservation, physicochemical variation, residue mobility, and thermodynamic stability) performed at Invitae indicates that this missense variant is not expected to disrupt SETX protein function with a negative predictive value of 95%. In summary, the available evidence is currently insufficient to determine the role of this variant in disease. Therefore, it has been classified as a Variant of Uncertain Significance.